The following is an entry in ClinVar:

ClinVar aggregate classification (germline): Conflicting classifications of pathogenicity. Review status: criteria provided, conflicting classifications (1 of 4 stars). 7 submissions from 7 submitters: Uncertain significance (5); Benign (1); Likely benign (1). Last evaluated 2025-12-02.

Conditions:
TSC2-related disorder. Also called: TSC2-Related Disorders; TSC2-related condition.
Hereditary cancer-predisposing syndrome. Also called: Hereditary Cancer Syndrome; Neoplastic Syndromes, Hereditary; Tumor predisposition; Hereditary neoplastic syndrome. Identifiers: Orphanet 140162, MedGen C0027672, MeSH D009386, MONDO:0015356.
Tuberous sclerosis 2 (TSC2). Identifiers: Orphanet 805, MedGen C1860707, MONDO:0013199, OMIM 613254.

Allele frequency attached by ClinVar (database versions not stated): gnomAD exomes below 0.00001 and 0.00001; ExAC 0.00001; gnomAD 0.00001; TOPMed 0.00001.
gnomAD v4.1: 8 of 1,613,944 alleles (0.0005%); highest among the groups gnomAD compares: African/African-American, 0.004%; no homozygotes.

Submissions (7):

Labcorp Genetics (formerly Invitae), Labcorp
Classification: Benign for Tuberous sclerosis 2. Last evaluated: 2025-12-02. Review status: criteria provided, single submitter. Criteria: Invitae Variant Classification Sherloc (09022015). Collection method: clinical testing. Allele origin: germline.

Ambry Genetics
Classification: Uncertain significance for Hereditary cancer-predisposing syndrome. Last evaluated: 2025-09-12. Review status: criteria provided, single submitter. Criteria: Ambry Variant Classification Scheme 2023. Collection method: clinical testing. Allele origin: germline.
Comment: The p.S335F variant (also known as c.1004C>T), located in coding exon 10 of the TSC2 gene, results from a C to T substitution at nucleotide position 1004. The serine at codon 335 is replaced by phenylalanine, an amino acid with highly dissimilar properties. This amino acid position is highly conserved in available vertebrate species. In addition, this alteration is predicted to be deleterious by in silico analysis. Since supporting evidence is limited at this time, the clinical significance of this alteration remains unclear.

PreventionGenetics, part of Exact Sciences
Classification: Uncertain significance for TSC2-related condition. Last evaluated: 2025-04-12. Review status: criteria provided, single submitter. Criteria: ACMG Guidelines, 2015. Collection method: clinical testing. Allele origin: germline.
Comment: The TSC2 c.1004C>T variant is predicted to result in the amino acid substitution p.Ser335Phe. To our knowledge, this variant has not been reported in the literature. This variant is reported in 0.012% of alleles in individuals of African descent in gnomAD, which is likely too common for an undocumented disease-causing variant. Although we suspect that this variant may be benign, at this time, the clinical significance of this variant is uncertain due to the absence of conclusive functional and genetic evidence.

Myriad Genetics, Inc.
Classification: Likely benign for Tuberous sclerosis 2. Last evaluated: 2024-08-07. Review status: criteria provided, single submitter. Criteria: Myriad Autosomal Dominant, Autosomal Recessive and X-Linked Classification Criteria (2023). Collection method: clinical testing. Allele origin: unknown.
Comment: This variant is considered likely benign. This variant has been observed at a population frequency that is significantly greater than expected given the associated disease prevalence and penetrance.

Sema4
Classification: Uncertain significance for Hereditary cancer-predisposing syndrome. Last evaluated: 2022-02-11. Review status: criteria provided, single submitter. Criteria: Sema4 Curation Guidelines. Collection method: curation. Allele origin: germline.
Comment: The TSC2 c.1004C>T (p.S335F) variant has not been reported in the literature to our knowledge. It was observed in 2/16254 chromosomes of the African/African American subpopulation in the large and broad cohorts of the Genome Aggregation Database (PMID: 32461654). The variant has been reported in ClinVar (Variation ID 207709). Functional studies have not been performed, and in silico predictions of the variant's effect on protein function are inconclusive. The evidence is insufficient to meet ACMG/AMP criteria for classifying the variant as benign or pathogenic. Thus, the clinical significance of this variant is currently uncertain.

Genome-Nilou Lab
Classification: Uncertain significance for Tuberous sclerosis 2. Last evaluated: 2021-11-07. Review status: criteria provided, single submitter. Criteria: ACMG Guidelines, 2015. Collection method: clinical testing. Allele origin: germline. Affected: no.

Human Genome Sequencing Center Clinical Lab, Baylor College of Medicine
Classification: Uncertain significance for Tuberous sclerosis type 2. Review status: criteria provided, single submitter. Criteria: ACMG Guidelines, 2015. Collection method: clinical testing. Allele origin: germline.

NM_000548.5(TSC2):c.1004C>T (p.Ser335Phe)

Gene: TSC2 (TSC complex subunit 2; plus strand). Cytogenetic location: 16p13.3.
Variant type: single nucleotide variant.
Coding change: c.1004C>T on transcript NM_000548.5 (MANE Select); coding-DNA position 1004, C replaced by T.
Protein change: p.Ser335Phe; replaces serine 335 with phenylalanine.
Molecular consequence: missense variant.
Genome position (GRCh38, 1-based): chr16:2,060,698, C>T. VCF-style: chr16-2060698-C-T. GRCh37 (hg19) VCF-style: chr16-2110699-C-T.
Other names: c.1004C>T, p.Ser335Phe (NM_001370404.1, NM_001370405.1, NM_021055.3 and 3 more transcripts); c.893C>T, p.Ser298Phe (NM_001318827.2); c.857C>T, p.Ser286Phe (NM_001318829.2); c.404C>T, p.Ser135Phe (NM_001318831.2); c.1037C>T, p.Ser346Phe (NM_001318832.2); c.1004C>T (NM_000548.4); short protein forms S335F, S135F, S286F, S298F, S346F.
Identifiers: ClinVar variation 207709 (VCV000207709.18), dbSNP rs45517144, ClinGen allele CA027958.